The following is an entry in ClinVar:

NM_182972.3(IRF2BP2):c.788C>A (p.Pro263Gln)

Gene: IRF2BP2 (interferon regulatory factor 2 binding protein 2; minus strand). Cytogenetic location: 1q42.3.
Variant type: single nucleotide variant.
Coding change: c.788C>A on transcript NM_182972.3 (MANE Select); coding-DNA position 788, C replaced by A.
Protein change: p.Pro263Gln; replaces proline 263 with glutamine.
Molecular consequence: missense variant.
Genome position (GRCh38, 1-based): chr1:234,608,707, G>T on the plus strand (C>A on the coding strand, the complement: IRF2BP2 is on the minus strand). VCF-style: chr1-234608707-G-T. GRCh37 (hg19) VCF-style: chr1-234744453-G-T.
Other names: c.788C>A, p.Pro263Gln (NM_001077397.1); short protein forms P263Q.
Identifiers: ClinVar variation 1354913 (VCV001354913.6), dbSNP rs774964956, ClinGen allele CA345308449.

ClinVar aggregate classification (germline): Uncertain significance (1 of 4 stars; one submission).

Submission:

Labcorp Genetics (formerly Invitae), Labcorp
Classification: Uncertain significance. Last evaluated: 2022-08-16. Review status: criteria provided, single submitter. Criteria: Invitae Variant Classification Sherloc (09022015). Collection method: clinical testing. Allele origin: germline.
Comment: In summary, the available evidence is currently insufficient to determine the role of this variant in disease. Therefore, it has been classified as a Variant of Uncertain Significance. Algorithms developed to predict the effect of missense changes on protein structure and function (SIFT, PolyPhen-2, Align-GVGD) all suggest that this variant is likely to be tolerated. ClinVar contains an entry for this variant (Variation ID: 1354913). This variant has not been reported in the literature in individuals affected with IRF2BP2-related conditions. This variant is not present in population databases (gnomAD no frequency). This sequence change replaces proline, which is neutral and non-polar, with glutamine, which is neutral and polar, at codon 263 of the IRF2BP2 protein (p.Pro263Gln).